The following is an entry in ClinVar:

NM_001034853.2(RPGR):c.830G>A (p.Gly277Asp)

Gene: RPGR (retinitis pigmentosa GTPase regulator; minus strand). Cytogenetic location: Xp11.4.
Variant type: single nucleotide variant.
Coding change: c.830G>A on transcript NM_001034853.2 (MANE Select); coding-DNA position 830, G replaced by A.
Protein change: p.Gly277Asp; replaces glycine 277 with aspartic acid.
Molecular consequence: missense variant. On other transcripts: non-coding transcript variant (5).
Genome position (GRCh38, 1-based): chrX:38,304,739, C>T on the plus strand (G>A on the coding strand, the complement: RPGR is on the minus strand). VCF-style: chrX-38304739-C-T. GRCh37 (hg19) VCF-style: chrX-38163992-C-T.
Other names: RPGR; c.830G>A, p.Gly277Asp (NM_000328.3, NM_001367246.1, NM_001367247.1 and 1 more transcripts); c.827G>A, p.Gly276Asp (NM_001367245.1, NM_001367249.1, NM_001367250.1); c.860G>A, p.Gly287Asp (NM_001367248.1); short protein forms G276D, G277D, G287D.
Identifiers: ClinVar variation 4528333 (VCV004528333.1).

ClinVar aggregate classification (germline): Uncertain significance (1 of 4 stars; one submission).

Conditions:
RPGR-related retinopathy. Also called: RPGR retinopathy. Identifiers: MedGen CN305589, MONDO:0100437.

gnomAD v4.1: 1 of 1,209,671 alleles (0.000083%); highest among the groups gnomAD compares: Non-Finnish European, 0.00011%; no homozygotes.

Submission:

Intergen Genetics and Rare Diseases Diagnosis Center
Classification: Uncertain significance for RPGR-related retinopathy. Last evaluated: 2025-06-01. Review status: criteria provided, single submitter. Criteria: ACMG Guidelines, 2015. Collection method: clinical testing. Allele origin: inherited. Inheritance: X-linked inheritance. Affected: yes. Observed: 1 hemizygote.
Comment: It is absent from population databases (PM2), and computational predictions support a deleterious effect (PP3). Based on ACMG/AMP 2015 guidelines, these criteria support a Uncertain Significance (Strong) classification for RPGR-related disease (MONDO:0100437).